The following is an entry in ClinVar:

NC_000023.11:g.77910249G>A

Genes: ATP7A (ATPase copper transporting alpha; plus strand), COX7B (cytochrome c oxidase subunit 7B; plus strand). Cytogenetic location: Xq21.1.
Variant type: single nucleotide variant.
Genome position: GRCh38 VCF-style: chrX-77910249-G-A. GRCh37 (hg19) VCF-style: chrX-77165746-G-A.
Identifiers: ClinVar variation 2660961 (VCV002660961.25), dbSNP rs192170671, ClinGen allele CA331581439.
Genomic context (GRCh38, chrX:77,910,249, plus strand): 5'-ACTGATGCACGTGAATTTCATGCTGGGCGAAGATGAACTATGTGGAAGATGACTTATAAG[G>A]AGCTTTTATGTTACATCTTGGCAGTTAACACAGTCTAACAGATGCACGTGAATTTCATGC-3'

ClinVar aggregate classification (germline): Likely benign. Review status: criteria provided, single submitter (1 of 4 stars). 2 submissions from 2 submitters: Likely benign (1). 1 of the submissions does not count toward it. Last evaluated 2026-07-01.

Conditions:
ATP7A-related disorder. Also called: ATP7A-related condition.

Allele frequency attached by ClinVar (database versions not stated): 1000 Genomes Project 0.00053; 1000 Genomes Project 30x 0.00062; gnomAD 0.00168; TOPMed 0.00179.

Submissions (2):

CeGaT Center for Human Genetics Tuebingen
Classification: Likely benign. Last evaluated: 2026-07-01. Review status: criteria provided, single submitter. Criteria: CeGaT Center For Human Genetics Tuebingen Variant Classification Criteria Version 2. Collection method: clinical testing. Allele origin: germline. Affected: yes. Observed: 10 variant alleles.
Comment: COX7B: BS2

PreventionGenetics, part of Exact Sciences
Classification: Likely benign for ATP7A-related condition. Last evaluated: 2021-10-23. Review status: no assertion criteria provided. Collection method: clinical testing. Allele origin: germline. Not counted in ClinVar's aggregate classification.
Comment: This variant is classified as likely benign based on ACMG/AMP sequence variant interpretation guidelines (Richards et al. 2015 PMID: 25741868, with internal and published modifications).